The following is an entry in ClinVar:

ClinVar aggregate classification (germline): Benign/Likely benign. Review status: criteria provided, multiple submitters, no conflicts (2 of 4 stars). 3 submissions from 3 submitters: Benign (1); Likely benign (2). Last evaluated 2025-12-08.

Conditions:
ERF-related disorder. Also called: ERF-related condition; ERF-related disorders.
TWIST1-related craniosynostosis (CRS1). Also called: CRANIOSYNOSTOSIS 1. Identifiers: Orphanet 63440, MedGen C4551902, MONDO:0007399, OMIM 123100. Inheritance: Heterogenous inheritance pattern.

Allele frequency attached by ClinVar (database versions not stated): gnomAD 0.00135 and 0.00129; ESP Exome Variant Server 0.00015; 1000 Genomes Project 30x 0.00016; 1000 Genomes Project 0.00020; TOPMed 0.00025; gnomAD exomes 0.00074 and 0.00125; ExAC 0.00089.
gnomAD v4.1: 1,269 of 1,612,906 alleles (0.079%); highest among the groups gnomAD compares: Non-Finnish European, 0.052%; 4 homozygotes.

Submissions (3):

PreventionGenetics, part of Exact Sciences
Classification: Likely benign for ERF-related condition. Last evaluated: 2025-12-08. Review status: criteria provided, single submitter. Criteria: ACMG Guidelines, 2015. Collection method: clinical testing. Allele origin: germline.
Comment: This variant is classified as likely benign based on ACMG/AMP sequence variant interpretation guidelines (Richards et al. 2015 PMID: 25741868, with internal and published modifications).

Labcorp Genetics (formerly Invitae), Labcorp
Classification: Benign for TWIST1-related craniosynostosis. Last evaluated: 2025-10-22. Review status: criteria provided, single submitter. Criteria: Invitae Variant Classification Sherloc (09022015). Collection method: clinical testing. Allele origin: germline.

Blueprint Genetics
Classification: Likely benign. Last evaluated: 2024-11-15. Review status: criteria provided, single submitter. Criteria: ACMG Guidelines, 2015. Collection method: clinical testing. Allele origin: germline.

NM_006494.4(ERF):c.24G>A (p.Gly8=)

Gene: ERF (ETS2 repressor factor; minus strand). Cytogenetic location: 19q13.2.
Variant type: single nucleotide variant.
Coding change: c.24G>A on transcript NM_006494.4 (MANE Select); coding-DNA position 24, G replaced by A.
Protein change: p.Gly8=; no amino-acid change (glycine 8 retained).
Molecular consequence: synonymous variant. On other transcripts: 5 prime UTR variant (3).
Genome position (GRCh38, 1-based): chr19:42,250,564, C>T on the plus strand (G>A on the coding strand, the complement: ERF is on the minus strand). VCF-style: chr19-42250564-C-T. GRCh37 (hg19) VCF-style: chr19-42754716-C-T.
Other names: c.-202G>A (NM_001301035.2, NM_001308402.2, NM_001312656.2).
Identifiers: ClinVar variation 707680 (VCV000707680.11), dbSNP rs200969503, ClinGen allele CA9471504.